The following is an entry in ClinVar:

NM_006019.4(TCIRG1):c.959C>G (p.Ala320Gly)

Gene: TCIRG1 (T cell immune regulator 1, ATPase H+ transporting V0 subunit a3; plus strand). Cytogenetic location: 11q13.2.
Variant type: single nucleotide variant.
Coding change: c.959C>G on transcript NM_006019.4 (MANE Select); coding-DNA position 959, C replaced by G.
Protein change: p.Ala320Gly; replaces alanine 320 with glycine.
Molecular consequence: missense variant.
Genome position (GRCh38, 1-based): chr11:68,044,283, C>G. VCF-style: chr11-68044283-C-G. GRCh37 (hg19) VCF-style: chr11-67811750-C-G.
Other names: c.65C>G, p.Ala22Gly (NM_001351059.2); c.311C>G, p.Ala104Gly (NM_006053.4); short protein forms A104G, A22G, A320G.
Identifiers: ClinVar variation 3665130 (VCV003665130.2).

ClinVar aggregate classification (germline): Uncertain significance (1 of 4 stars; one submission).

Submission:

Labcorp Genetics (formerly Invitae), Labcorp
Classification: Uncertain significance. Last evaluated: 2025-01-01. Review status: criteria provided, single submitter. Criteria: Invitae Variant Classification Sherloc (09022015). Collection method: clinical testing. Allele origin: germline.
Comment: This sequence change replaces alanine, which is neutral and non-polar, with glycine, which is neutral and non-polar, at codon 320 of the TCIRG1 protein (p.Ala320Gly). This variant is not present in population databases (gnomAD no frequency). This variant has not been reported in the literature in individuals affected with TCIRG1-related conditions. Invitae Evidence Modeling of protein sequence and biophysical properties (such as structural, functional, and spatial information, amino acid conservation, physicochemical variation, residue mobility, and thermodynamic stability) indicates that this missense variant is not expected to disrupt TCIRG1 protein function with a negative predictive value of 80%. In summary, the available evidence is currently insufficient to determine the role of this variant in disease. Therefore, it has been classified as a Variant of Uncertain Significance.